The following is an entry in ClinVar:

NM_000545.8(HNF1A):c.326+2T>C

Gene: HNF1A (HNF1 homeobox A; plus strand). Cytogenetic location: 12q24.31.
Variant type: single nucleotide variant.
Coding change: c.326+2T>C on transcript NM_000545.8 (MANE Select); the canonical splice donor site of the intron after coding-DNA position 326, T replaced by C.
Molecular consequence: splice donor variant.
Genome position (GRCh38, 1-based): chr12:120,979,096, T>C. VCF-style: chr12-120979096-T-C. GRCh37 (hg19) VCF-style: chr12-121416899-T-C.
Other names: c.326+2T>C (NM_001306179.2, NM_001406915.1).
Identifiers: ClinVar variation 4532379 (VCV004532379.1).

ClinVar aggregate classification (germline): Likely pathogenic (1 of 4 stars; one submission).

Submission:

GeneDx
Classification: Likely pathogenic. Last evaluated: 2025-05-28. Review status: criteria provided, single submitter. Criteria: GeneDx Variant Classification Process June 2021. Collection method: clinical testing. Allele origin: germline. Affected: yes.
Comment: Reported in a proband with mongenic diabetes in the published literature (PMID: 36257325); Canonical splice site variant predicted to result in a null allele in a gene for which loss of function is a known mechanism of disease; Not observed at significant frequency in large population cohorts (gnomAD); This variant is associated with the following publications: (PMID: 36257325)